The following is an entry in ClinVar:

NM_080680.3(COL11A2):c.2430+2T>G

Gene: COL11A2 (collagen type XI alpha 2 chain; minus strand). Cytogenetic location: 6p21.32.
Variant type: single nucleotide variant.
Coding change: c.2430+2T>G on transcript NM_080680.3 (MANE Select); the canonical splice donor site of the intron after coding-DNA position 2430, T replaced by G.
Molecular consequence: splice donor variant.
Genome position (GRCh38, 1-based): chr6:33,174,525, A>C on the plus strand (T>G on the coding strand, the complement: COL11A2 is on the minus strand). VCF-style: chr6-33174525-A-C. GRCh37 (hg19) VCF-style: chr6-33142302-A-C.
Other names: c.1404+2T>G (NM_001424111.1, NM_001424110.1); c.2109+2T>G (NM_080679.3); c.2172+2T>G (NM_080681.3); c.2250+2T>G (NM_001424108.1); c.1584+2T>G (NM_001424109.1); c.384+2T>G (NM_001424112.1).
Identifiers: ClinVar variation 4782031 (VCV004782031.1).

ClinVar aggregate classification (germline): Likely pathogenic (1 of 4 stars; one submission).

Submission:

Labcorp Genetics (formerly Invitae), Labcorp
Classification: Likely pathogenic. Last evaluated: 2026-01-26. Review status: criteria provided, single submitter. Criteria: Invitae Variant Classification Sherloc (09022015). Collection method: clinical testing. Allele origin: germline.
Comment: This sequence change affects a donor splice site in intron 31 of the COL11A2 gene. It is expected to disrupt RNA splicing. Variants that disrupt the donor or acceptor splice site typically lead to a loss of protein function (PMID: 16199547), and loss-of-function variants in COL11A2 are known to be pathogenic (PMID: 10677296, 21204229). This variant is not present in population databases (gnomAD no frequency). This variant has not been reported in the literature in individuals affected with COL11A2-related conditions. Algorithms developed to predict the effect of sequence changes on RNA splicing suggest that this variant may disrupt the consensus splice site. In summary, the currently available evidence indicates that the variant is pathogenic, but additional data are needed to prove that conclusively. Therefore, this variant has been classified as Likely Pathogenic.

Literature cited by the submitters: PubMed 16199547; PubMed 10677296; PubMed 21204229.